The following is an entry in ClinVar:

ClinVar aggregate classification (germline): Pathogenic/Likely pathogenic. Review status: criteria provided, multiple submitters, no conflicts (2 of 4 stars). 3 submissions from 3 submitters: Pathogenic (1); Likely pathogenic (1). 1 of the submissions does not count toward it. Last evaluated 2022-04-19.

Conditions:
Cerebellar ataxia, brain abnormalities, and cardiac conduction defects. Identifiers: Orphanet 641361, MedGen C5562005, MONDO:0859200, OMIM 619576.

Submissions (3):

SIB Swiss Institute of Bioinformatics
Classification: Likely pathogenic for Cerebellar ataxia, brain abnormalities, and cardiac conduction defects. Last evaluated: 2022-04-19. Review status: criteria provided, single submitter. Criteria: ACMG Guidelines, 2015. Collection method: curation. Allele origin: unknown.
Comment: This variant is interpreted as likely pathogenic for Cerebellar ataxia, brain abnormalities, and cardiac conduction defects, autosomal recessive. The following ACMG Tag(s) were applied: Absent from controls (or at extremely low frequency if recessive) in Exome Sequencing Project, 1000 Genomes Project, or Exome Aggregation Consortium (PM2); Cosegregation with disease in multiple affected family members in a gene definitively known to cause the disease (PP1); For recessive disorders, detected in trans with a pathogenic variant (PM3); Multiple lines of computational evidence support a deleterious effect on the gene or gene product (PP3).

Baylor Genetics
Classification: Pathogenic for Cerebellar ataxia, brain abnormalities, and cardiac conduction defects. Last evaluated: 2022-03-03. Review status: criteria provided, single submitter. Criteria: ACMG Guidelines, 2015. Collection method: clinical testing. Allele origin: unknown.

OMIM
Classification: Pathogenic for CEREBELLAR ATAXIA, BRAIN ABNORMALITIES, AND CARDIAC CONDUCTION DEFECTS. Last evaluated: 2021-10-21. Review status: no assertion criteria provided. Collection method: literature only. Allele origin: germline. Not counted in ClinVar's aggregate classification.

Literature cited by the submitters: PubMed 34089229 (cited by SIB Swiss Institute of Bioinformatics and OMIM).

NM_020158.4(EXOSC5):c.302C>A (p.Thr101Lys)

Gene: EXOSC5 (exosome component 5; minus strand). Cytogenetic location: 19q13.2.
Variant type: single nucleotide variant.
Coding change: c.302C>A on transcript NM_020158.4 (MANE Select); coding-DNA position 302, C replaced by A.
Protein change: p.Thr101Lys; replaces threonine 101 with lysine.
Molecular consequence: missense variant.
Genome position (GRCh38, 1-based): chr19:41,391,923, G>T on the plus strand (C>A on the coding strand, the complement: EXOSC5 is on the minus strand). VCF-style: chr19-41391923-G-T. GRCh37 (hg19) VCF-style: chr19-41897828-G-T.
Other names: T101K.
Identifiers: ClinVar variation 1300248 (VCV001300248.3), dbSNP rs777418116, ClinGen allele CA9460809.